The following is an entry in ClinVar:

ClinVar aggregate classification (germline): Uncertain significance. Review status: criteria provided, multiple submitters, no conflicts (2 of 4 stars). 2 submissions from 2 submitters: Uncertain significance (2). Last evaluated 2024-08-06.

Allele frequency attached by ClinVar (database versions not stated): ExAC 0.00003; gnomAD 0.00003; TOPMed 0.00006; gnomAD exomes 0.00003.
gnomAD v4.1: 48 of 1,613,878 alleles (0.003%); highest among the groups gnomAD compares: Middle Eastern, 0.033%; no homozygotes.

Submissions (2):

Blueprint Genetics
Classification: Uncertain significance. Last evaluated: 2024-08-06. Review status: criteria provided, single submitter. Criteria: ACMG Guidelines, 2015. Collection method: clinical testing. Allele origin: germline.

Labcorp Genetics (formerly Invitae), Labcorp
Classification: Uncertain significance. Last evaluated: 2022-09-19. Review status: criteria provided, single submitter. Criteria: Invitae Variant Classification Sherloc (09022015). Collection method: clinical testing. Allele origin: germline.
Comment: This sequence change replaces arginine, which is basic and polar, with glutamine, which is neutral and polar, at codon 1170 of the CDH23 protein (p.Arg1170Gln). This variant is present in population databases (rs765527342, gnomAD 0.006%). This variant has not been reported in the literature in individuals affected with CDH23-related conditions. Advanced modeling of protein sequence and biophysical properties (such as structural, functional, and spatial information, amino acid conservation, physicochemical variation, residue mobility, and thermodynamic stability) performed at Invitae indicates that this missense variant is not expected to disrupt CDH23 protein function. In summary, the available evidence is currently insufficient to determine the role of this variant in disease. Therefore, it has been classified as a Variant of Uncertain Significance.

NM_022124.6(CDH23):c.3509G>A (p.Arg1170Gln)

Genes: C10orf105 (chromosome 10 open reading frame 105; minus strand), CDH23 (cadherin related 23; plus strand). Cytogenetic location: 10q22.1.
Variant type: single nucleotide variant.
Coding change: c.3509G>A on transcript NM_022124.6 (MANE Select); coding-DNA position 3509, G replaced by A.
Protein change: p.Arg1170Gln; replaces arginine 1170 with glutamine.
Molecular consequence: missense variant. On other transcripts: intron variant (1).
Genome position (GRCh38, 1-based): chr10:71,725,450, G>A. VCF-style: chr10-71725450-G-A. GRCh37 (hg19) VCF-style: chr10-73485207-G-A.
Other names: c.3509G>A, p.Arg1170Gln (NM_001171930.2); c.-5-9108C>T (NM_001168390.2); short protein forms R1170Q.
Identifiers: ClinVar variation 2140218 (VCV002140218.2), dbSNP rs765527342, ClinGen allele CA5544752.
Genomic context (GRCh38, chr10:71,725,450, plus strand): 5'-TCCGGATCCATGTCAGCAATGGGCTCCTGATGCGAGGGCCCCGGCCCCTGGACCGGGAGC[G>A]GAACTCATCCCACGTGCTGATAGTGGAGGCCTACAACCACGACCTGGGCCCCATGCGGAG-3'
Protein context (NP_071407.4, residues 1160-1180): MRGPRPLDRE[Arg1170Gln]NSSHVLIVEA